The following is an entry in ClinVar:

NM_080680.3(COL11A2):c.1189G>A (p.Val397Met)

Gene: COL11A2 (collagen type XI alpha 2 chain; minus strand). Cytogenetic location: 6p21.32.
Variant type: single nucleotide variant.
Coding change: c.1189G>A on transcript NM_080680.3 (MANE Select); coding-DNA position 1189, G replaced by A.
Protein change: p.Val397Met; replaces valine 397 with methionine.
Molecular consequence: missense variant.
Genome position (GRCh38, 1-based): chr6:33,180,996, C>T on the plus strand (G>A on the coding strand, the complement: COL11A2 is on the minus strand). VCF-style: chr6-33180996-C-T. GRCh37 (hg19) VCF-style: chr6-33148773-C-T.
Other names: c.868G>A, p.Val290Met (NM_080679.3); c.931G>A, p.Val311Met (NM_080681.3); c.1189G>A (NM_080680.2); short protein forms V397M, V311M, V290M.
Identifiers: ClinVar variation 1467451 (VCV001467451.7), dbSNP rs148250300, ClinGen allele CA3751430.

ClinVar aggregate classification (germline): Uncertain significance. Review status: criteria provided, multiple submitters, no conflicts (2 of 4 stars). 2 submissions from 2 submitters: Uncertain significance (2). Last evaluated 2026-02-01.

Conditions:
Inborn genetic diseases. Identifiers: MedGen C0950123, MeSH D030342.

Allele frequency attached by ClinVar (database versions not stated): ESP Exome Variant Server 0.00008.

Submissions (2):

Labcorp Genetics (formerly Invitae), Labcorp
Classification: Uncertain significance. Last evaluated: 2026-02-01. Review status: criteria provided, single submitter. Criteria: Invitae Variant Classification Sherloc (09022015). Collection method: clinical testing. Allele origin: germline.
Comment: This sequence change replaces valine, which is neutral and non-polar, with methionine, which is neutral and non-polar, at codon 397 of the COL11A2 protein (p.Val397Met). This variant is present in population databases (rs148250300, gnomAD 0.006%). This variant has not been reported in the literature in individuals affected with COL11A2-related conditions. ClinVar contains an entry for this variant (Variation ID: 1467451). Invitae Evidence Modeling of protein sequence and biophysical properties (such as structural, functional, and spatial information, amino acid conservation, physicochemical variation, residue mobility, and thermodynamic stability) indicates that this missense variant is not expected to disrupt COL11A2 protein function with a negative predictive value of 95%. In summary, the available evidence is currently insufficient to determine the role of this variant in disease. Therefore, it has been classified as a Variant of Uncertain Significance.

Ambry Genetics
Classification: Uncertain significance for Inborn genetic diseases. Last evaluated: 2025-01-16. Review status: criteria provided, single submitter. Criteria: Ambry Variant Classification Scheme 2023. Collection method: clinical testing. Allele origin: germline.